The following is an entry in ClinVar:

ClinVar aggregate classification (germline): Pathogenic (1 of 4 stars; one submission).

Conditions:
Primary ciliary dyskinesia. Also called: Ciliary dyskinesia. Identifiers: Orphanet 244, MedGen C0008780, MONDO:0016575, HP:0012265.

Submission:

Labcorp Genetics (formerly Invitae), Labcorp
Classification: Pathogenic for Primary ciliary dyskinesia. Last evaluated: 2023-04-15. Review status: criteria provided, single submitter. Criteria: Invitae Variant Classification Sherloc (09022015). Collection method: clinical testing. Allele origin: germline.
Comment: For these reasons, this variant has been classified as Pathogenic. This variant disrupts a region of the RPGR (ORF15) protein in which other variant(s) (p.Leu1130Lysfs*13) have been determined to be pathogenic (PMID: 22264887; Invitae). This suggests that this is a clinically significant region of the protein, and that variants that disrupt it are likely to be disease-causing. This variant has not been reported in the literature in individuals affected with RPGR (ORF15)-related conditions. This variant is not present in population databases (gnomAD no frequency). This sequence change creates a premature translational stop signal (p.Gly904Lysfs*184) in the RPGR (ORF15) gene. While this is not anticipated to result in nonsense mediated decay, it is expected to disrupt the last 249 amino acid(s) of the RPGR (ORF15) protein.

Literature cited by the submitters: PubMed 22264887.

NM_001034853.2(RPGR):c.2710_2713del (p.Gly904fs)

Gene: RPGR (retinitis pigmentosa GTPase regulator; minus strand). Cytogenetic location: Xp11.4.
Variant type: Microsatellite.
Coding change: c.2710_2713del on transcript NM_001034853.2 (MANE Select); coding-DNA positions 2710 to 2713, 4 bases deleted (GGAG; older notation c.2710_2713delGGAG).
Protein change: p.Gly904fs; shifts the reading frame from glycine 904.
Molecular consequence: frameshift variant. On other transcripts: intron variant (8).
Genome position (GRCh38, 1-based): chrX:38,286,286-38,286,289, CTCC deleted on the plus strand (GGAG on the coding strand, the reverse complement: RPGR is on the minus strand); deleting any 4 consecutive bases within chrX:38,286,286-38,286,294 gives the same sequence; the c. name uses the placement nearest the transcript's 3' end. VCF-style (leftmost placement, unchanged base first): chrX-38286285-TCTCC-T. GRCh37 (hg19) VCF-style: chrX-38145538-TCTCC-T.
Other names: c.1569+4670_1569+4673del (NM_001367249.1, NM_001367250.1); c.1902+805_1902+808del (NM_001367245.1); c.1386+4670_1386+4673del (NM_001367251.1); c.1719+805_1719+808del (NM_001367246.1); c.1572+4670_1572+4673del (NM_001367247.1); c.1905+805_1905+808del (NM_000328.3); c.1602+4670_1602+4673del (NM_001367248.1); short protein forms G904fs.
Identifiers: ClinVar variation 2856616 (VCV002856616.3), dbSNP rs2519787728, ClinGen allele CA2739273387.